The following is an entry in ClinVar:

NM_001211.6(BUB1B):c.2244A>T (p.Arg748Ser)

Gene: BUB1B (BUB1 mitotic checkpoint serine/threonine kinase B; plus strand). Cytogenetic location: 15q15.1.
Variant type: single nucleotide variant.
Coding change: c.2244A>T on transcript NM_001211.6 (MANE Select); coding-DNA position 2244, A replaced by T.
Protein change: p.Arg748Ser; replaces arginine 748 with serine.
Molecular consequence: missense variant.
Genome position (GRCh38, 1-based): chr15:40,209,735, A>T. VCF-style: chr15-40209735-A-T. GRCh37 (hg19) VCF-style: chr15-40501936-A-T.
Other names: short protein forms R748S.
Identifiers: ClinVar variation 1788317 (VCV001788317.2), dbSNP rs2037686220, ClinGen allele CA391694502.

ClinVar aggregate classification (germline): Uncertain significance (1 of 4 stars; one submission).

Conditions:
Inborn genetic diseases. Identifiers: MedGen C0950123, MeSH D030342.

Allele frequency attached by ClinVar (database versions not stated): TOPMed below 0.00001; gnomAD 0.00001; gnomAD exomes 0.00001.
gnomAD v4.1: 11 of 1,614,076 alleles (0.00068%); highest among the groups gnomAD compares: Non-Finnish European, 0.00085%; no homozygotes.

Submission:

Ambry Genetics
Classification: Uncertain significance for Inborn genetic diseases. Last evaluated: 2022-08-09. Review status: criteria provided, single submitter. Criteria: Ambry Variant Classification Scheme 2023. Collection method: clinical testing. Allele origin: germline.
Comment: The p.R748S variant (also known as c.2244A>T), located in coding exon 17 of the BUB1B gene, results from an A to T substitution at nucleotide position 2244. The arginine at codon 748 is replaced by serine, an amino acid with dissimilar properties. This amino acid position is conserved. In addition, this alteration is predicted to be tolerated by in silico analysis. Since supporting evidence is limited at this time, the clinical significance of this alteration remains unclear.